The following is an entry in ClinVar:

NM_023036.6(DNAI2):c.1142T>C (p.Leu381Pro)

Gene: DNAI2 (dynein axonemal intermediate chain 2; plus strand). Cytogenetic location: 17q25.1.
Variant type: single nucleotide variant.
Coding change: c.1142T>C on transcript NM_023036.6 (MANE Select); coding-DNA position 1142, T replaced by C.
Protein change: p.Leu381Pro; replaces leucine 381 with proline.
Molecular consequence: missense variant. On other transcripts: non-coding transcript variant (1).
Genome position (GRCh38, 1-based): chr17:74,305,373, T>C. VCF-style: chr17-74305373-T-C. GRCh37 (hg19) VCF-style: chr17-72301512-T-C.
Other names: c.1142T>C, p.Leu381Pro (NM_001172810.3, NM_001353167.2); short protein forms L381P.
Identifiers: ClinVar variation 408963 (VCV000408963.16), dbSNP rs373836524, ClinGen allele CA8745615.

ClinVar aggregate classification (germline): Conflicting classifications of pathogenicity. Review status: criteria provided, conflicting classifications (1 of 4 stars). 4 submissions from 4 submitters: Pathogenic (1); Uncertain significance (2). 1 of the submissions does not count toward it. Last evaluated 2025-08-23.

Conditions:
Primary ciliary dyskinesia. Also called: Ciliary dyskinesia. Identifiers: Orphanet 244, MedGen C0008780, MONDO:0016575, HP:0012265.

Allele frequency attached by ClinVar (database versions not stated): ExAC 0.00002; gnomAD exomes 0.00002 and 0.00008; gnomAD 0.00004; TOPMed 0.00004; ESP Exome Variant Server 0.00015.

Submissions (4):

Labcorp Genetics (formerly Invitae), Labcorp
Classification: Pathogenic for Primary ciliary dyskinesia. Last evaluated: 2025-08-23. Review status: criteria provided, single submitter. Criteria: Invitae Variant Classification Sherloc (09022015). Collection method: clinical testing. Allele origin: germline.
Comment: This sequence change replaces leucine, which is neutral and non-polar, with proline, which is neutral and non-polar, at codon 381 of the DNAI2 protein (p.Leu381Pro). This variant is present in population databases (rs373836524, gnomAD 0.005%). This missense change has been observed in individual(s) with clinical features of DNAI2-related conditions (internal data). ClinVar contains an entry for this variant (Variation ID: 408963). Invitae Evidence Modeling of protein sequence and biophysical properties (such as structural, functional, and spatial information, amino acid conservation, physicochemical variation, residue mobility, and thermodynamic stability) indicates that this missense variant is expected to disrupt DNAI2 protein function with a positive predictive value of 95%. For these reasons, this variant has been classified as Pathogenic.

Women's Health and Genetics/Laboratory Corporation of America, LabCorp
Classification: Uncertain significance. Last evaluated: 2025-06-02. Review status: criteria provided, single submitter. Criteria: LabCorp Variant Classification Summary - May 2015. Collection method: clinical testing. Allele origin: germline.
Comment: Variant summary: DNAI2 c.1142T>C (p.Leu381Pro) results in a non-conservative amino acid change located in the WD40 repeat (IPR001680) of the encoded protein sequence. Algorithms developed to predict the effect of missense changes on protein structure and function all suggest that this variant is likely to be disruptive. The variant allele was found at a frequency of 2e-05 in 251470 control chromosomes. These data indicate that the variant may be associated with disease. To our knowledge, no experimental evidence demonstrating an impact on protein function has been reported. ClinVar contains an entry for this variant (Variation ID: 408963). Based on the evidence outlined above, the variant was classified as VUS-possibly pathogenic.

Blueprint Genetics
Classification: Uncertain significance. Last evaluated: 2024-11-18. Review status: criteria provided, single submitter. Criteria: ACMG Guidelines, 2015. Collection method: clinical testing. Allele origin: germline.

Natera, Inc.
Classification: Uncertain significance for Primary ciliary dyskinesia. Last evaluated: 2019-10-28. Review status: no assertion criteria provided. Collection method: clinical testing. Allele origin: germline. Not counted in ClinVar's aggregate classification.